The following is an entry in ClinVar:

NM_000436.4(OXCT1):c.1180G>A (p.Val394Ile)

Gene: OXCT1 (3-oxoacid CoA-transferase 1; minus strand). Cytogenetic location: 5p13.1.
Variant type: single nucleotide variant.
Coding change: c.1180G>A on transcript NM_000436.4 (MANE Select); coding-DNA position 1180, G replaced by A.
Protein change: p.Val394Ile; replaces valine 394 with isoleucine.
Molecular consequence: missense variant. On other transcripts: non-coding transcript variant (1).
Genome position (GRCh38, 1-based): chr5:41,794,071, C>T on the plus strand (G>A on the coding strand, the complement: OXCT1 is on the minus strand). VCF-style: chr5-41794071-C-T. GRCh37 (hg19) VCF-style: chr5-41794173-C-T.
Other names: c.1201G>A, p.Val401Ile (NM_001364299.2, NM_001364300.2); c.1174G>A, p.Val392Ile (NM_001364301.2); c.1180G>A, p.Val394Ile (NM_001364302.2); c.622G>A, p.Val208Ile (NM_001364303.2); short protein forms V394I, V208I, V392I, V401I.
Identifiers: ClinVar variation 942334 (VCV000942334.9), dbSNP rs772982372, ClinGen allele CA3253342.
Genomic context (GRCh38, chr5:41,794,071, plus strand): 5'-TCCAGTTAGCCAGGTCACCATATTTGGAAACCTGCATCGCTCCTAGCATTGTCAGATCGA[C>T]GTGTCCACTGAGAAAGAAAGAGGAAGAATAAAGTGAACCTCATAAGCTTTTGTCCCCTTT-3'
Protein context (NP_000427.1, residues 384-404): ESFAMIRGGH[Val394Ile]DLTMLGAMQV

ClinVar aggregate classification (germline): Uncertain significance. Review status: criteria provided, multiple submitters, no conflicts (2 of 4 stars). 2 submissions from 2 submitters: Uncertain significance (2). Last evaluated 2023-12-21.

Conditions:
Inborn genetic diseases. Identifiers: MedGen C0950123, MeSH D030342.
Succinyl-CoA acetoacetate transferase deficiency (SCOTD). Also called: 3-Oxoacid CoA Transferase Deficiency; SCOT DEFICIENCY; SUCCINYL-CoA:3-KETOACID CoA-TRANSFERASE DEFICIENCY; KETOACIDOSIS DUE TO SCOT DEFICIENCY; Succinyl CoA:3-oxoacid CoA transferase deficiency. Identifiers: Orphanet 832, MedGen C0342792, MONDO:0009492, OMIM 245050.

Allele frequency attached by ClinVar (database versions not stated): gnomAD exomes 0.00002 and 0.00003; ExAC 0.00003; TOPMed 0.00003; gnomAD 0.00005.
gnomAD v4.1: 36 of 1,612,078 alleles (0.0022%); highest among the groups gnomAD compares: Middle Eastern, 0.016%; no homozygotes.

Submissions (2):

Ambry Genetics
Classification: Uncertain significance for Inborn genetic diseases. Last evaluated: 2023-12-21. Review status: criteria provided, single submitter. Criteria: Ambry Variant Classification Scheme 2023. Collection method: clinical testing. Allele origin: germline.

Labcorp Genetics (formerly Invitae), Labcorp
Classification: Uncertain significance for Succinyl-CoA acetoacetate transferase deficiency. Last evaluated: 2019-10-02. Review status: criteria provided, single submitter. Criteria: Invitae Variant Classification Sherloc (09022015). Collection method: clinical testing. Allele origin: germline.
Comment: Algorithms developed to predict the effect of missense changes on protein structure and function output the following: SIFT: "Tolerated"; PolyPhen-2: "Benign"; Align-GVGD: "Class C0". The isoleucine amino acid residue is found in multiple mammalian species, suggesting that this missense change does not adversely affect protein function. These predictions have not been confirmed by published functional studies and their clinical significance is uncertain. In summary, the available evidence is currently insufficient to determine the role of this variant in disease. Therefore, it has been classified as a Variant of Uncertain Significance. This variant has not been reported in the literature in individuals with OXCT1-related conditions. This variant is present in population databases (rs772982372, ExAC 0.02%). This sequence change replaces valine with isoleucine at codon 394 of the OXCT1 protein (p.Val394Ile). The valine residue is moderately conserved and there is a small physicochemical difference between valine and isoleucine.